The following is an entry in ClinVar:

NM_000530.8(MPZ):c.101_106del (p.Thr34_Asp35del)

Gene: MPZ (myelin protein zero; minus strand). Cytogenetic location: 1q23.3.
Variant type: Deletion.
Coding change: c.101_106del on transcript NM_000530.8 (MANE Select); coding-DNA positions 101 to 106, 6 bases deleted (CCGACA; older notation c.101_106delCCGACA).
Protein change: p.Thr34_Asp35del.
Molecular consequence: inframe deletion.
Genome position (GRCh38, 1-based): chr1:161,307,386-161,307,391, TGTCGG deleted on the plus strand (CCGACA on the coding strand, the reverse complement: MPZ is on the minus strand); deleting any 6 consecutive bases within chr1:161,307,386-161,307,394 gives the same sequence; the c. name uses the placement nearest the transcript's 3' end. VCF-style (leftmost placement, unchanged base first): chr1-161307385-CTGTCGG-C. GRCh37 (hg19) VCF-style: chr1-161277175-CTGTCGG-C.
Other names: c.101_106del, p.Thr34_Asp35del (NM_001315491.2).
Identifiers: ClinVar variation 4736253 (VCV004736253.1).
Genomic context (GRCh38, chr1:161,307,385, plus strand): 5'-TCACTGGACCAGAAGGAGCAGTGCAGGGTCACCCGGGAGCCCACAGCACCATGGACCTCC[CTGTCGG>C]TGTAAACCACGATGGCCTGGGCCGGGGACAGCACTGCAAGCACAAAGTGGGGAATCAGAT-3'

ClinVar aggregate classification (germline): Pathogenic (1 of 4 stars; one submission).

Conditions:
Charcot-Marie-Tooth disease, type I (CMT1). Also called: Charcot-Marie-Tooth, Type 1; Charcot-Marie-Tooth disease type 1. Identifiers: Orphanet 65753, MedGen C0751036, MONDO:0019011.

Submission:

Labcorp Genetics (formerly Invitae), Labcorp
Classification: Pathogenic for Charcot-Marie-Tooth disease, type I. Last evaluated: 2026-01-26. Review status: criteria provided, single submitter. Criteria: Invitae Variant Classification Sherloc (09022015). Collection method: clinical testing. Allele origin: germline.
Comment: This variant, c.101_106del, results in the deletion of 2 amino acid(s) of the MPZ protein (p.Thr34_Asp35del), but otherwise preserves the integrity of the reading frame. This variant is not present in population databases (gnomAD no frequency). This variant has not been reported in the literature in individuals affected with MPZ-related conditions. This variant disrupts a region of the MPZ protein in which other variant(s) (p.Asp35Tyr; ) have been determined to be pathogenic (PMID: 20385006, 24053775, 24444136). This suggests that this is a clinically significant region of the protein, and that variants that disrupt it are likely to be disease-causing. For these reasons, this variant has been classified as Pathogenic.

Literature cited by the submitters: PubMed 20385006; PubMed 24053775; PubMed 24444136.